The following is an entry in ClinVar:

ClinVar aggregate classification (germline): Uncertain significance (1 of 4 stars; one submission).

Conditions:
FRAXE. Also called: FRAXE Syndrome; FRAXE intellectual disability; Intellectual disability, X-linked, FRAXE type; Intellectual developmental disorder, X-linked 109; Fragile XE syndrome. Identifiers: Orphanet 100973, MedGen C0751157, MONDO:0010659, OMIM 309548. Disease mechanism: loss of function.

Submission:

Laboratorio de Genetica e Diagnostico Molecular, Hospital Israelita Albert Einstein
Classification: Uncertain significance for FRAXE. Last evaluated: 2024-07-10. Review status: criteria provided, single submitter. Criteria: ACMG Guidelines, 2015. Collection method: clinical testing. Allele origin: germline. Affected: yes.
Comment: ACMG classification criteria: PM2 supporting

NM_002025.4(AFF2):c.1496A>G (p.Asp499Gly)

Gene: AFF2 (ALF transcription elongation factor 2; plus strand). Cytogenetic location: Xq28.
Variant type: single nucleotide variant.
Coding change: c.1496A>G on transcript NM_002025.4 (MANE Select); coding-DNA position 1496, A replaced by G.
Protein change: p.Asp499Gly; replaces aspartic acid 499 with glycine.
Molecular consequence: missense variant.
Genome position (GRCh38, 1-based): chrX:148,953,678, A>G. VCF-style: chrX-148953678-A-G. GRCh37 (hg19) VCF-style: chrX-148035208-A-G.
Other names: c.1397A>G, p.Asp466Gly (NM_001169122.2); c.1466A>G, p.Asp489Gly (NM_001169123.2); c.1391A>G, p.Asp464Gly (NM_001169124.2); c.1379A>G, p.Asp460Gly (NM_001169125.2); c.419A>G, p.Asp140Gly (NM_001170628.1); short protein forms D140G, D460G, D464G, D466G, D489G, D499G.
Identifiers: ClinVar variation 3900992 (VCV003900992.1).
Genomic context (GRCh38, chrX:148,953,678, plus strand): 5'-AAGCCAGCGGGGGTTCTGGCAGCTCCAGCGAATCGGAGAGCAGCTCTGAGTCGGATTCAG[A>G]CACTGAAAGTAGCACCACTGACAGCGAATCTAATGAGGCACCTCGTGTGGCAACTCCAGA-3'
Protein context (NP_002016.2, residues 489-509): ESESSSESDS[Asp499Gly]TESSTTDSES